The following is an entry in ClinVar:

ClinVar aggregate classification (germline): Uncertain significance (1 of 4 stars; one submission).

Allele frequency attached by ClinVar (database versions not stated): ExAC 0.00002; gnomAD 0.00004; TOPMed 0.00004; ESP Exome Variant Server 0.00023.
gnomAD v4.1: 55 of 1,614,008 alleles (0.0034%); highest among the groups gnomAD compares: Non-Finnish European, 0.0044%; no homozygotes.

Submission:

Labcorp Genetics (formerly Invitae), Labcorp
Classification: Uncertain significance. Last evaluated: 2025-12-03. Review status: criteria provided, single submitter. Criteria: Invitae Variant Classification Sherloc (09022015). Collection method: clinical testing. Allele origin: germline.
Comment: This sequence change replaces asparagine, which is neutral and polar, with serine, which is neutral and polar, at codon 2288 of the BPTF protein (p.Asn2288Ser). This variant is present in population databases (rs368737322, gnomAD 0.006%). This variant has not been reported in the literature in individuals affected with BPTF-related conditions. ClinVar contains an entry for this variant (Variation ID: 1905987). An algorithm developed to predict the effect of missense changes on protein structure and function outputs the following: PolyPhen-2: "Benign". The serine amino acid residue is found in multiple mammalian species, which suggests that this missense change does not adversely affect protein function. In summary, the available evidence is currently insufficient to determine the role of this variant in disease. Therefore, it has been classified as a Variant of Uncertain Significance.

NM_182641.4(BPTF):c.6485A>G (p.Asn2162Ser)

Gene: BPTF (bromodomain PHD finger transcription factor; plus strand). Cytogenetic location: 17q24.2.
Variant type: single nucleotide variant.
Coding change: c.6485A>G on transcript NM_182641.4 (MANE Select); coding-DNA position 6485, A replaced by G.
Protein change: p.Asn2162Ser; replaces asparagine 2162 with serine.
Molecular consequence: missense variant.
Genome position (GRCh38, 1-based): chr17:67,944,157, A>G. VCF-style: chr17-67944157-A-G. GRCh37 (hg19) VCF-style: chr17-65940273-A-G.
Other names: c.6863A>G, p.Asn2288Ser (NM_004459.7); short protein forms N2162S, N2288S.
Identifiers: ClinVar variation 1905987 (VCV001905987.5), dbSNP rs368737322, ClinGen allele CA8726216.
Genomic context (GRCh38, chr17:67,944,157, plus strand): 5'-TACATACAGATTGATGCTTTGAACACTGTTTACATGTTGTGTTTTTTCCACAGGGTGGCA[A>G]TCAAGGTTTGACAGTAGTAATTCAAGGACAAGGTCAAACTACTGGACAGTTGCAGTTGAT-3'
Protein context (NP_872579.2, residues 2152-2172): LTQLTQGHGG[Asn2162Ser]QGLTVVIQGQ